The following is an entry in ClinVar:

ClinVar aggregate classification (germline): Uncertain significance. Review status: criteria provided, multiple submitters, no conflicts (2 of 4 stars). 2 submissions from 2 submitters: Uncertain significance (2). Last evaluated 2024-11-01.

Conditions:
Hereditary cancer-predisposing syndrome. Also called: Tumor predisposition; Hereditary neoplastic syndrome; Neoplastic Syndromes, Hereditary; Hereditary Cancer Syndrome. Identifiers: Orphanet 140162, MedGen C0027672, MeSH D009386, MONDO:0015356.
Retinoblastoma (RB1). Also called: RETINOBLASTOMA, SOMATIC. Identifiers: Orphanet 790, MedGen C0035335, MeSH D012175, MONDO:0008380, OMIM 180200, HP:0009919. Disease mechanism: loss of function. Inheritance: Both sporadic and heritable forms are tested..

gnomAD v4.1: 2 of 1,613,608 alleles (0.00012%); highest among the groups gnomAD compares: African/African-American, 0.0027%; no homozygotes.

Submissions (2):

Ambry Genetics
Classification: Uncertain significance for Hereditary cancer-predisposing syndrome. Last evaluated: 2024-11-01. Review status: criteria provided, single submitter. Criteria: Ambry Variant Classification Scheme 2023. Collection method: clinical testing. Allele origin: germline.
Comment: The p.G881A variant (also known as c.2642G>C), located in coding exon 25 of the RB1 gene, results from a G to C substitution at nucleotide position 2642. The glycine at codon 881 is replaced by alanine, an amino acid with similar properties. This amino acid position is highly conserved in available vertebrate species. In addition, this alteration is predicted to be deleterious by in silico analysis. Based on the available evidence, the clinical significance of this variant remains unclear.

Labcorp Genetics (formerly Invitae), Labcorp
Classification: Uncertain significance for Retinoblastoma. Last evaluated: 2024-07-03. Review status: criteria provided, single submitter. Criteria: Invitae Variant Classification Sherloc (09022015). Collection method: clinical testing. Allele origin: germline.
Comment: This sequence change replaces glycine, which is neutral and non-polar, with alanine, which is neutral and non-polar, at codon 881 of the RB1 protein (p.Gly881Ala). This variant is not present in population databases (gnomAD no frequency). This variant has not been reported in the literature in individuals affected with RB1-related conditions. ClinVar contains an entry for this variant (Variation ID: 846544). Advanced modeling of protein sequence and biophysical properties (such as structural, functional, and spatial information, amino acid conservation, physicochemical variation, residue mobility, and thermodynamic stability) has been performed at Invitae for this missense variant, however the output from this modeling did not meet the statistical confidence thresholds required to predict the impact of this variant on RB1 protein function. In summary, the available evidence is currently insufficient to determine the role of this variant in disease. Therefore, it has been classified as a Variant of Uncertain Significance.

NM_000321.3(RB1):c.2642G>C (p.Gly881Ala)

Gene: RB1 (RB transcriptional corepressor 1; plus strand). Cytogenetic location: 13q14.2.
Variant type: single nucleotide variant.
Coding change: c.2642G>C on transcript NM_000321.3 (MANE Select); coding-DNA position 2642, G replaced by C.
Protein change: p.Gly881Ala; replaces glycine 881 with alanine.
Molecular consequence: missense variant.
Genome position (GRCh38, 1-based): chr13:48,476,822, G>C. VCF-style: chr13-48476822-G-C. GRCh37 (hg19) VCF-style: chr13-49050958-G-C.
Other names: short protein forms G881A.
Identifiers: ClinVar variation 846544 (VCV000846544.13), dbSNP rs1949507139, ClinGen allele CA388157587.
Genomic context (GRCh38, chr13:48,476,822, plus strand): 5'-GAAGTGCTGAAGGAAGCAACCCTCCTAAACCACTGAAAAAACTACGCTTTGATATTGAAG[G>C]ATCAGATGAAGCAGATGGAAGGTAGGAACCAGTTTTGAATGTTTTCCAGTAGCCGAGATG-3'
Protein context (NP_000312.2, residues 871-891): PLKKLRFDIE[Gly881Ala]SDEADGSKHL